The following is an entry in ClinVar:

ClinVar aggregate classification (germline): Uncertain significance. Review status: criteria provided, multiple submitters, no conflicts (2 of 4 stars). 2 submissions from 2 submitters: Uncertain significance (2). Last evaluated 2024-01-04.

Conditions:
Nemaline myopathy 8 (NEM8). Also called: Nemaline myopathy 8, autosomal recessive. Identifiers: Orphanet 171430, MedGen C3809209, MONDO:0014138, OMIM 615348.
Inborn genetic diseases. Identifiers: MedGen C0950123, MeSH D030342.

Allele frequency attached by ClinVar (database versions not stated): TOPMed 0.00005; gnomAD 0.00007.
gnomAD v4.1: 145 of 1,613,610 alleles (0.009%); highest among the groups gnomAD compares: South Asian, 0.014%; no homozygotes.

Submissions (2):

Ambry Genetics
Classification: Uncertain significance for Inborn genetic diseases. Last evaluated: 2024-01-04. Review status: criteria provided, single submitter. Criteria: Ambry Variant Classification Scheme 2023. Collection method: clinical testing. Allele origin: germline.

Labcorp Genetics (formerly Invitae), Labcorp
Classification: Uncertain significance for Nemaline myopathy 8. Last evaluated: 2022-09-13. Review status: criteria provided, single submitter. Criteria: Invitae Variant Classification Sherloc (09022015). Collection method: clinical testing. Allele origin: germline.
Comment: This sequence change replaces arginine, which is basic and polar, with glutamine, which is neutral and polar, at codon 598 of the KLHL40 protein (p.Arg598Gln). This variant is present in population databases (rs775821505, gnomAD 0.01%). This variant has not been reported in the literature in individuals affected with KLHL40-related conditions. ClinVar contains an entry for this variant (Variation ID: 568454). Advanced modeling of protein sequence and biophysical properties (such as structural, functional, and spatial information, amino acid conservation, physicochemical variation, residue mobility, and thermodynamic stability) performed at Invitae indicates that this missense variant is not expected to disrupt KLHL40 protein function. Algorithms developed to predict the effect of sequence changes on RNA splicing suggest that this variant may create or strengthen a splice site. In summary, the available evidence is currently insufficient to determine the role of this variant in disease. Therefore, it has been classified as a Variant of Uncertain Significance.

NM_152393.4(KLHL40):c.1793G>A (p.Arg598Gln)

Gene: KLHL40 (kelch like family member 40; plus strand). Cytogenetic location: 3p22.1.
Variant type: single nucleotide variant.
Coding change: c.1793G>A on transcript NM_152393.4 (MANE Select); coding-DNA position 1793, G replaced by A.
Protein change: p.Arg598Gln; replaces arginine 598 with glutamine.
Molecular consequence: missense variant.
Genome position (GRCh38, 1-based): chr3:42,691,920, G>A. VCF-style: chr3-42691920-G-A. GRCh37 (hg19) VCF-style: chr3-42733412-G-A.
Other names: c.1793G>A (NM_152393.2); short protein forms R598Q.
Identifiers: ClinVar variation 568454 (VCV000568454.5), dbSNP rs775821505, ClinGen allele CA2337096.